The following is an entry in ClinVar:

ClinVar aggregate classification (germline): Pathogenic (1 of 4 stars; one submission).

Submission:

GeneDx
Classification: Pathogenic. Last evaluated: 2015-07-27. Review status: criteria provided, single submitter. Criteria: GeneDx Variant Classification (06012015). Collection method: clinical testing. Allele origin: germline. Affected: yes.
Comment: The Y174X nonsense variant in the SOX9 gene is predicted to cause loss of normal protein functioneither through protein truncation or nonsense-mediated mRNA decay. Although this variant has not beenreported previously to our knowledge, many other nonsense variants have been reported in the SOX9gene. Therefore, we interpret the Y174X variant as pathogenic.

NM_000346.4(SOX9):c.522C>G (p.Tyr174Ter)

Gene: SOX9 (SRY-box transcription factor 9; plus strand). Cytogenetic location: 17q24.3.
Variant type: single nucleotide variant.
Coding change: c.522C>G on transcript NM_000346.4 (MANE Select); coding-DNA position 522, C replaced by G.
Protein change: p.Tyr174Ter; replaces tyrosine 174 with a stop codon.
Molecular consequence: nonsense.
Genome position (GRCh38, 1-based): chr17:72,122,809, C>G. VCF-style: chr17-72122809-C-G. GRCh37 (hg19) VCF-style: chr17-70118950-C-G.
Other names: short protein forms Y174*.
Identifiers: ClinVar variation 419613 (VCV000419613.2), dbSNP rs373719106, ClinGen allele CA16620596.